The following is an entry in ClinVar:

ClinVar aggregate classification (germline): Uncertain significance. Review status: criteria provided, multiple submitters, no conflicts (2 of 4 stars). 2 submissions from 2 submitters: Uncertain significance (2). Last evaluated 2025-04-08.

Conditions:
KANK1-related disorder. Also called: KANK1-related condition.

Allele frequency attached by ClinVar (database versions not stated): TOPMed below 0.00001; gnomAD 0.00001; gnomAD exomes 0.00003.
gnomAD v4.1: 48 of 1,613,860 alleles (0.003%); highest among the groups gnomAD compares: Non-Finnish European, 0.0037%; no homozygotes.

Submissions (2):

Labcorp Genetics (formerly Invitae), Labcorp
Classification: Uncertain significance. Last evaluated: 2025-04-08. Review status: criteria provided, single submitter. Criteria: Invitae Variant Classification Sherloc (09022015). Collection method: clinical testing. Allele origin: germline.
Comment: This sequence change replaces glutamine, which is neutral and polar, with histidine, which is basic and polar, at codon 706 of the KANK1 protein (p.Gln706His). This variant is not present in population databases (gnomAD no frequency). This variant has not been reported in the literature in individuals affected with KANK1-related conditions. ClinVar contains an entry for this variant (Variation ID: 2634408). Invitae Evidence Modeling of protein sequence and biophysical properties (such as structural, functional, and spatial information, amino acid conservation, physicochemical variation, residue mobility, and thermodynamic stability) indicates that this missense variant is not expected to disrupt KANK1 protein function with a negative predictive value of 80%. In summary, the available evidence is currently insufficient to determine the role of this variant in disease. Therefore, it has been classified as a Variant of Uncertain Significance.

PreventionGenetics, part of Exact Sciences
Classification: Uncertain significance for KANK1-related condition. Last evaluated: 2022-12-16. Review status: criteria provided, single submitter. Criteria: ACMG Guidelines, 2015. Collection method: clinical testing. Allele origin: germline.
Comment: The KANK1 c.2118G>T variant is predicted to result in the amino acid substitution p.Gln706His. To our knowledge, this variant has not been reported in the literature or in a large population database, indicating this variant is rare. At this time, the clinical significance of this variant is uncertain due to the absence of conclusive functional and genetic evidence.

NM_015158.5(KANK1):c.2118G>T (p.Gln706His)

Gene: KANK1 (KN motif and ankyrin repeat domains 1; plus strand). Cytogenetic location: 9p24.3.
Variant type: single nucleotide variant.
Coding change: c.2118G>T on transcript NM_015158.5 (MANE Select); coding-DNA position 2118, G replaced by T.
Protein change: p.Gln706His; replaces glutamine 706 with histidine.
Molecular consequence: missense variant. On other transcripts: non-coding transcript variant (1).
Genome position (GRCh38, 1-based): chr9:712,884, G>T. VCF-style: chr9-712884-G-T. GRCh37 (hg19) VCF-style: chr9-712884-G-T.
Other names: c.2118G>T, p.Gln706His (NM_001256876.3, NM_001256877.3, NM_001354331.2 and 2 more transcripts); c.1644G>T, p.Gln548His (NM_001354333.2, NM_001354335.2, NM_001354336.2 and 9 more transcripts); short protein forms Q548H, Q706H.
Identifiers: ClinVar variation 2634408 (VCV002634408.2), dbSNP rs1043358235, ClinGen allele CA187838029.